The following is an entry in ClinVar:

NM_015160.3(PMPCA):c.52T>C (p.Trp18Arg)

Gene: PMPCA (peptidase, mitochondrial processing subunit alpha; plus strand). Cytogenetic location: 9q34.3.
Variant type: single nucleotide variant.
Coding change: c.52T>C on transcript NM_015160.3 (MANE Select); coding-DNA position 52, T replaced by C.
Protein change: p.Trp18Arg; replaces tryptophan 18 with arginine.
Molecular consequence: missense variant. On other transcripts: 5 prime UTR variant (2).
Genome position (GRCh38, 1-based): chr9:136,410,720, T>C. VCF-style: chr9-136410720-T-C. GRCh37 (hg19) VCF-style: chr9-139305172-T-C.
Other names: c.-247T>C (NM_001282944.2, NM_001282946.2); c.52T>C (NM_015160.2, NM_015160.1); short protein forms W18R.
Identifiers: ClinVar variation 2976453 (VCV002976453.5), dbSNP rs142682572, ClinGen allele CA5335820.

ClinVar aggregate classification (germline): Uncertain significance. Review status: criteria provided, multiple submitters, no conflicts (2 of 4 stars). 3 submissions from 3 submitters: Uncertain significance (3). Last evaluated 2025-03-15.

Conditions:
Inborn genetic diseases. Identifiers: MedGen C0950123, MeSH D030342.
PMPCA-related disorder. Also called: PMPCA-related condition.

Allele frequency attached by ClinVar (database versions not stated): gnomAD exomes 0.00001; TOPMed 0.00010; ExAC 0.00012; 1000 Genomes Project 30x 0.00016; gnomAD 0.00017; ESP Exome Variant Server 0.00031.

Submissions (3):

Ambry Genetics
Classification: Uncertain significance for Inborn genetic diseases. Last evaluated: 2025-03-15. Review status: criteria provided, single submitter. Criteria: Ambry Variant Classification Scheme 2023. Collection method: clinical testing. Allele origin: germline.

PreventionGenetics, part of Exact Sciences
Classification: Uncertain significance for PMPCA-related condition. Last evaluated: 2025-01-29. Review status: criteria provided, single submitter. Criteria: ACMG Guidelines, 2015. Collection method: clinical testing. Allele origin: germline.
Comment: The PMPCA c.52T>C variant is predicted to result in the amino acid substitution p.Trp18Arg. To our knowledge, this variant has not been reported in the literature. This variant is reported in 0.076% of alleles in individuals of African descent in gnomAD. At this time, the clinical significance of this variant is uncertain due to the absence of conclusive functional and genetic evidence.

Labcorp Genetics (formerly Invitae), Labcorp
Classification: Uncertain significance. Last evaluated: 2024-04-25. Review status: criteria provided, single submitter. Criteria: Invitae Variant Classification Sherloc (09022015). Collection method: clinical testing. Allele origin: germline.
Comment: This sequence change replaces tryptophan, which is neutral and slightly polar, with arginine, which is basic and polar, at codon 18 of the PMPCA protein (p.Trp18Arg). This variant is present in population databases (rs142682572, gnomAD 0.07%). This variant has not been reported in the literature in individuals affected with PMPCA-related conditions. Algorithms developed to predict the effect of missense changes on protein structure and function output the following: SIFT: "Not Available"; PolyPhen-2: "Benign"; Align-GVGD: "Not Available". The arginine amino acid residue is found in multiple mammalian species, which suggests that this missense change does not adversely affect protein function. In summary, the available evidence is currently insufficient to determine the role of this variant in disease. Therefore, it has been classified as a Variant of Uncertain Significance.